The following is an entry in ClinVar:

NM_002049.4(GATA1):c.224T>G (p.Phe75Cys)

Gene: GATA1 (GATA binding protein 1; plus strand). Cytogenetic location: Xp11.23.
Variant type: single nucleotide variant.
Coding change: c.224T>G on transcript NM_002049.4 (MANE Select); coding-DNA position 224, T replaced by G.
Protein change: p.Phe75Cys; replaces phenylalanine 75 with cysteine.
Molecular consequence: missense variant.
Genome position (GRCh38, 1-based): chrX:48,791,847, T>G. VCF-style: chrX-48791847-T-G. GRCh37 (hg19) VCF-style: chrX-48650254-T-G.
Other names: p.Phe75Cys; short protein forms F75C.
Identifiers: ClinVar variation 2932603 (VCV002932603.4), dbSNP rs1557020159, ClinGen allele CA412867435.

ClinVar aggregate classification (germline): Uncertain significance. Review status: criteria provided, multiple submitters, no conflicts (2 of 4 stars). 2 submissions from 2 submitters: Uncertain significance (2). Last evaluated 2024-03-12.

Conditions:
Diamond-Blackfan anemia. Also called: Blackfan Diamond syndrome; Aregenerative anemia chronic congenital; Red cell aplasia, pure hereditary; Congenital hypoplastic anemia; Aase syndrome. Identifiers: Orphanet 124, MedGen C1260899, MeSH D029503, MONDO:0015253, HP:0004810.
GATA binding protein 1 related thrombocytopenia with dyserythropoiesis. Also called: GATA1-Related Cytopenia; GATA1-Related X-Linked Cytopenia. Identifiers: MedGen C1845837, MONDO:0100089.

Allele frequency attached by ClinVar (database versions not stated): gnomAD exomes below 0.00001.
gnomAD v4.1: 1 of 1,211,619 alleles (0.000083%); highest among the groups gnomAD compares: South Asian, 0.0018%; no homozygotes.

Submissions (2):

Labcorp Genetics (formerly Invitae), Labcorp
Classification: Uncertain significance for GATA binding protein 1 related thrombocytopenia with dyserythropoiesis; Diamond-Blackfan anemia. Last evaluated: 2024-03-12. Review status: criteria provided, single submitter. Criteria: Invitae Variant Classification Sherloc (09022015). Collection method: clinical testing. Allele origin: germline.
Comment: This sequence change replaces phenylalanine, which is neutral and non-polar, with cysteine, which is neutral and slightly polar, at codon 75 of the GATA1 protein (p.Phe75Cys). This variant is present in population databases (no rsID available, gnomAD 0.005%). This variant has not been reported in the literature in individuals affected with GATA1-related conditions. Advanced modeling of protein sequence and biophysical properties (such as structural, functional, and spatial information, amino acid conservation, physicochemical variation, residue mobility, and thermodynamic stability) performed at Invitae indicates that this missense variant is not expected to disrupt GATA1 protein function with a negative predictive value of 80%. In summary, the available evidence is currently insufficient to determine the role of this variant in disease. Therefore, it has been classified as a Variant of Uncertain Significance.

Mayo Clinic Laboratories, Mayo Clinic
Classification: Uncertain significance. Last evaluated: 2024-01-31. Review status: criteria provided, single submitter. Criteria: ACMG Guidelines, 2015. Collection method: clinical testing. Allele origin: germline. Observed: 1 variant allele.
Comment: PM2_moderate